The following is an entry in ClinVar:

NM_031889.3(ENAM):c.1181A>T (p.Tyr394Phe)

Gene: ENAM (enamelin; plus strand). Cytogenetic location: 4q13.3.
Variant type: single nucleotide variant.
Coding change: c.1181A>T on transcript NM_031889.3 (MANE Select); coding-DNA position 1181, A replaced by T.
Protein change: p.Tyr394Phe; replaces tyrosine 394 with phenylalanine.
Molecular consequence: missense variant.
Genome position (GRCh38, 1-based): chr4:70,642,607, A>T. VCF-style: chr4-70642607-A-T. GRCh37 (hg19) VCF-style: chr4-71508324-A-T.
Other names: NC_000004.11:g.71508324A>T; c.527A>T, p.Tyr176Phe (NM_001368133.1); short protein forms Y394F, Y176F.
Identifiers: ClinVar variation 711122 (VCV000711122.19), dbSNP rs142747446, ClinGen allele CA2952086.

ClinVar aggregate classification (germline): Conflicting classifications of pathogenicity. Review status: criteria provided, conflicting classifications (1 of 4 stars). 5 submissions from 5 submitters: Uncertain significance (1); Likely benign (3). 1 of the submissions does not count toward it. Last evaluated 2025-03-01.

Conditions:
ENAM-related disorder. Also called: ENAM-related condition.
Amelogenesis imperfecta (AI). Also called: Congenital enamel hypoplasia. Identifiers: Orphanet 88661, MedGen C0002452, MONDO:0019507, HP:0000705.

Allele frequency attached by ClinVar (database versions not stated): 1000 Genomes Project 30x 0.00062; 1000 Genomes Project 0.00080; TOPMed 0.00159; gnomAD 0.00167 and 0.00177; gnomAD exomes 0.00191 and 0.00230; ESP Exome Variant Server 0.00215; ExAC 0.00230.
gnomAD v4.1: 3,581 of 1,614,090 alleles (0.22%); highest among the groups gnomAD compares: Non-Finnish European, 0.27%; 6 homozygotes.

Submissions (6):

CeGaT Center for Human Genetics Tuebingen
Classification: Likely benign. Last evaluated: 2025-03-01. Review status: criteria provided, single submitter. Criteria: CeGaT Center For Human Genetics Tuebingen Variant Classification Criteria Version 2. Collection method: clinical testing. Allele origin: germline. Affected: yes. Observed: 1 variant allele.
Comment: ENAM: BP4

Blueprint Genetics
Classification: Likely benign. Last evaluated: 2024-11-22. Review status: criteria provided, single submitter. Criteria: ACMG Guidelines, 2015. Collection method: clinical testing. Allele origin: germline.

Labcorp Genetics (formerly Invitae), Labcorp
Classification: Likely benign. Last evaluated: 2019-12-31. Review status: criteria provided, single submitter. Criteria: Invitae Variant Classification Sherloc (09022015). Collection method: clinical testing. Allele origin: germline.

Illumina Laboratory Services, Illumina
Classification: Uncertain significance for Amelogenesis imperfecta. Last evaluated: 2018-01-12. Review status: criteria provided, single submitter. Criteria: ICSL Variant Classification Criteria 13 December 2019. Collection method: clinical testing. Allele origin: germline.

PreventionGenetics, part of Exact Sciences
Classification: Likely benign for ENAM-related condition. Last evaluated: 2022-04-11. Review status: no assertion criteria provided. Collection method: clinical testing. Allele origin: germline. Not counted in ClinVar's aggregate classification.
Comment: This variant is classified as likely benign based on ACMG/AMP sequence variant interpretation guidelines (Richards et al. 2015 PMID: 25741868, with internal and published modifications).

Dr. Peter K. Rogan Lab, Western University
No classification provided (evidence only). Condition: Gastric cancer. Review status: no classification provided. Collection method: in vitro. Allele origin: not applicable. Functional consequence: retained intron. Not counted in ClinVar's aggregate classification.